The following is an entry in ClinVar:

ClinVar aggregate classification (germline): Uncertain significance (1 of 4 stars; one submission).

Conditions:
Leigh syndrome (NULS). Also called: Leigh's necrotizing encephalopathy; Leigh's disease; Leigh's syndrome; LEIGH SYNDROME, NUCLEAR; Leigh Syndrome (mtDNA deletion); Leigh Disease. Identifiers: Orphanet 506, MedGen C2931891, MONDO:0009723, OMIM 256000.

Submission:

Wong Mito Lab, Molecular and Human Genetics, Baylor College of Medicine
Classification: Uncertain significance for Leigh syndrome. Last evaluated: 2019-10-17. Review status: criteria provided, single submitter. Criteria: Modified ACMG Guidelines (Unpublished). Collection method: clinical testing. Allele origin: germline.
Comment: The NC_012920.1:m.15708G>C (YP_003024038.1:p.Ser321Thr) variant in MTCYB gene is interpretated to be a Uncertain Significance variant based on the modified ACMG guidelines (unpublished). This variant meets the following evidence codes: PP4

NC_012920.1(MT-CYB):m.15708G>C

Gene: MT-CYB (mitochondrially encoded cytochrome b; plus strand).
Variant type: single nucleotide variant.
Genome position: chrM-15708-G-C.
Identifiers: ClinVar variation 693936 (VCV000693936.1), dbSNP rs1556424649, ClinGen allele CA913174621.
Genomic context (GRCh38, chrMT:15,708, plus strand): 5'-TAGCAATAATCCCCATCCTCCATATATCCAAACAACAAAGCATAATATTTCGCCCACTAA[G>C]CCAATCACTTTATTGACTCCTAGCCGCAGACCTCCTCATTCTAACCTGAATCGGAGGACA-3'